The following is an entry in ClinVar:

ClinVar aggregate classification (germline): Uncertain significance (1 of 4 stars; one submission).

Conditions:
Bethlem myopathy 1A. Also called: Bethlem Muscular Dystrophy; MYOPATHY, BENIGN CONGENITAL, WITH CONTRACTURES; Bethlem myopathy 1. Identifiers: Orphanet 610, MedGen CN029274, MONDO:0024530, OMIM 158810.

Submission:

Labcorp Genetics (formerly Invitae), Labcorp
Classification: Uncertain significance for Bethlem myopathy 1. Last evaluated: 2019-05-17. Review status: criteria provided, single submitter. Criteria: Invitae Variant Classification Sherloc (09022015). Collection method: clinical testing. Allele origin: germline.
Comment: This sequence change replaces aspartic acid with glycine at codon 736 of the COL6A2 protein (p.Asp736Gly). The aspartic acid residue is highly conserved and there is a moderate physicochemical difference between aspartic acid and glycine. This variant is not present in population databases (ExAC no frequency). This variant has not been reported in the literature in individuals with COL6A2-related conditions. Algorithms developed to predict the effect of missense changes on protein structure and function are either unavailable or do not agree on the potential impact of this missense change (SIFT: "Deleterious"; PolyPhen-2: "Probably Damaging"; Align-GVGD: "Class C0"). In summary, the available evidence is currently insufficient to determine the role of this variant in disease. Therefore, it has been classified as a Variant of Uncertain Significance.

NM_001849.4(COL6A2):c.2207A>G (p.Asp736Gly)

Gene: COL6A2 (collagen type VI alpha 2 chain; plus strand). Cytogenetic location: 21q22.3.
Variant type: single nucleotide variant.
Coding change: c.2207A>G on transcript NM_001849.4 (MANE Select); coding-DNA position 2207, A replaced by G.
Protein change: p.Asp736Gly; replaces aspartic acid 736 with glycine.
Molecular consequence: missense variant.
Genome position (GRCh38, 1-based): chr21:46,126,022, A>G. VCF-style: chr21-46126022-A-G. GRCh37 (hg19) VCF-style: chr21-47545936-A-G.
Other names: c.2207A>G, p.Asp736Gly (NM_058174.3, NM_058175.3); short protein forms D736G.
Identifiers: ClinVar variation 944029 (VCV000944029.1), dbSNP rs2078660025, ClinGen allele CA410542100.